The following is an entry in ClinVar:

NM_002529.4(NTRK1):c.574+100T>C

Gene: NTRK1 (neurotrophic receptor tyrosine kinase 1; plus strand). Cytogenetic location: 1q23.1.
Variant type: single nucleotide variant.
Coding change: c.574+100T>C on transcript NM_002529.4 (MANE Select); 100 bases into the intron after coding-DNA position 574, T replaced by C.
Molecular consequence: intron variant.
Genome position (GRCh38, 1-based): chr1:156,868,349, T>C. VCF-style: chr1-156868349-T-C. GRCh37 (hg19) VCF-style: chr1-156838141-T-C.
Other names: c.484+100T>C (NM_001007792.1); c.574+100T>C (NM_001012331.2).
Identifiers: ClinVar variation 667738 (VCV000667738.5), dbSNP rs1800879, ClinGen allele CA10963715.

ClinVar aggregate classification (germline): Benign. Review status: criteria provided, multiple submitters, no conflicts (2 of 4 stars). 3 submissions from 3 submitters: Benign (3). Last evaluated 2021-07-01.

Conditions:
Hereditary insensitivity to pain with anhidrosis (CIPA). Also called: NTRK1 Congenital Insensitivity to Pain with Anhidrosis; INSENSITIVITY TO PAIN, CONGENITAL, WITH ANHIDROSIS; HSAN Type IV; hereditary sensory and autonomic neuropathy type 4; FAMILIAL DYSAUTONOMIA, TYPE II; NEUROPATHY, CONGENITAL SENSORY, WITH ANHIDROSIS. Identifiers: Orphanet 642, MedGen C0020074, MONDO:0009746, OMIM 256800.

Allele frequency attached by ClinVar (database versions not stated): gnomAD exomes 0.61693; gnomAD 0.62128 and 0.62843; TOPMed 0.64042; 1000 Genomes Project 30x 0.70628; 1000 Genomes Project 0.71166.
gnomAD v4.1: 958,943 of 1,548,396 alleles (62%); highest among the groups gnomAD compares: East Asian, 95%; 301,248 homozygotes.

Submissions (3):

Genome-Nilou Lab
Classification: Benign for Hereditary insensitivity to pain with anhidrosis. Last evaluated: 2021-07-01. Review status: criteria provided, single submitter. Criteria: ACMG Guidelines, 2015. Collection method: clinical testing. Allele origin: germline. Affected: no.

GeneDx
Classification: Benign. Last evaluated: 2018-06-14. Review status: criteria provided, single submitter. Criteria: GeneDx Variant Classification (06012015). Collection method: clinical testing. Allele origin: germline. Affected: yes.
Comment: This variant is considered likely benign or benign based on one or more of the following criteria: it is a conservative change, it occurs at a poorly conserved position in the protein, it is predicted to be benign by multiple in silico algorithms, and/or has population frequency not consistent with disease.

Breakthrough Genomics
Classification: Benign. Review status: criteria provided, single submitter. Criteria: ACMG Guidelines, 2015. Collection method: not provided. Allele origin: germline. Inheritance: Autosomal recessive inheritance. Affected: yes.